The following is an entry in ClinVar:

NM_005591.4(MRE11):c.2049G>A (p.Gly683=)

Gene: MRE11 (MRE11 double strand break repair nuclease; minus strand). Cytogenetic location: 11q21.
Variant type: single nucleotide variant.
Coding change: c.2049G>A on transcript NM_005591.4 (MANE Select); coding-DNA position 2049, G replaced by A.
Protein change: p.Gly683=; no amino-acid change (glycine 683 retained).
Molecular consequence: synonymous variant.
Genome position (GRCh38, 1-based): chr11:94,429,932, C>T on the plus strand (G>A on the coding strand, the complement: MRE11 is on the minus strand). VCF-style: chr11-94429932-C-T. GRCh37 (hg19) VCF-style: chr11-94163098-C-T.
Other names: c.2046G>A, p.Gly682= (NM_001330347.2); c.1965G>A, p.Gly655= (NM_005590.4).
Identifiers: ClinVar variation 186158 (VCV000186158.43), dbSNP rs758931835, ClinGen allele CA194016.

ClinVar aggregate classification (germline): Likely benign. Review status: criteria provided, multiple submitters, no conflicts (2 of 4 stars). 6 submissions from 6 submitters: Likely benign (6). Last evaluated 2025-10-27.

Conditions:
Ataxia-telangiectasia-like disorder (ATLD). Identifiers: MedGen C1858391, MONDO:0011457.
Hereditary cancer-predisposing syndrome. Also called: Tumor predisposition; Neoplastic Syndromes, Hereditary; Hereditary Cancer Syndrome; Hereditary neoplastic syndrome. Identifiers: Orphanet 140162, MedGen C0027672, MeSH D009386, MONDO:0015356.

Allele frequency attached by ClinVar (database versions not stated): TOPMed 0.00002; gnomAD 0.00004 and 0.00005; gnomAD exomes 0.00008 and 0.00012; ExAC 0.00009.
gnomAD v4.1: 120 of 1,613,376 alleles (0.0074%); highest among the groups gnomAD compares: South Asian, 0.066%; 1 homozygote.

Submissions (6):

Labcorp Genetics (formerly Invitae), Labcorp
Classification: Likely benign for Ataxia-telangiectasia-like disorder. Last evaluated: 2025-10-27. Review status: criteria provided, single submitter. Criteria: Invitae Variant Classification Sherloc (09022015). Collection method: clinical testing. Allele origin: germline.

CeGaT Center for Human Genetics Tuebingen
Classification: Likely benign. Last evaluated: 2022-09-01. Review status: criteria provided, single submitter. Criteria: CeGaT Center For Human Genetics Tuebingen Variant Classification Criteria Version 2. Collection method: clinical testing. Allele origin: germline. Affected: yes. Observed: 1 variant allele.
Comment: MRE11: BP4, BP7

GeneDx
Classification: Likely benign. Last evaluated: 2021-04-20. Review status: criteria provided, single submitter. Criteria: GeneDx Variant Classification Process June 2021. Collection method: clinical testing. Allele origin: germline. Affected: yes.

Sema4
Classification: Likely benign for Hereditary cancer-predisposing syndrome. Last evaluated: 2020-10-12. Review status: criteria provided, single submitter. Criteria: Sema4 Curation Guidelines. Collection method: curation. Allele origin: germline.

Athena Diagnostics
Classification: Likely benign. Last evaluated: 2019-12-26. Review status: criteria provided, single submitter. Criteria: Athena Diagnostics Criteria. Collection method: clinical testing. Allele origin: unknown.

Ambry Genetics
Classification: Likely benign for Hereditary cancer-predisposing syndrome. Last evaluated: 2014-09-02. Review status: criteria provided, single submitter. Criteria: Ambry Variant Classification Scheme 2023. Collection method: clinical testing. Allele origin: germline.